The following is an entry in ClinVar:

ClinVar aggregate classification (germline): Conflicting classifications of pathogenicity. Review status: criteria provided, conflicting classifications (1 of 4 stars). 8 submissions from 6 submitters: Uncertain significance (2); Benign (1); Likely benign (3). 2 of the submissions do not count toward it. Last evaluated 2026-01-20.

Conditions:
Autosomal dominant nonsyndromic hearing loss 11. Identifiers: Orphanet 90635, MedGen C1832475, MONDO:0011032, OMIM 601317.
Usher syndrome type 1 (USH1). Also called: RETINITIS PIGMENTOSA AND CONGENITAL DEAFNESS. Identifiers: Orphanet 231169, Orphanet 886, MedGen C1568247, MONDO:0010168, OMIM 276900.
Autosomal recessive nonsyndromic hearing loss 2. Also called: NEUROSENSORY NONSYNDROMIC RECESSIVE DEAFNESS 2; DEAFNESS, AUTOSOMAL RECESSIVE 2. Identifiers: Orphanet 90636, MedGen C1838701, MONDO:0010807, OMIM 600060.
MYO7A-related disorder. Also called: MYO7A-related disorders.
Usher syndrome type 1B (USH1B). Also called: Usher syndrome type IB. Identifiers: MedGen C1848638, MONDO:0700087.

Allele frequency attached by ClinVar (database versions not stated): gnomAD 0.00017 and 0.00019; TOPMed 0.00018; gnomAD exomes 0.00023 and 0.00043; ExAC 0.00077.
gnomAD v4.1: 354 of 1,547,752 alleles (0.023%); highest among the groups gnomAD compares: South Asian, 0.051%; 1 homozygote.

Submissions (8):

Labcorp Genetics (formerly Invitae), Labcorp
Classification: Benign. Last evaluated: 2026-01-20. Review status: criteria provided, single submitter. Criteria: Invitae Variant Classification Sherloc (09022015). Collection method: clinical testing. Allele origin: germline.

Blueprint Genetics
Classification: Likely benign. Last evaluated: 2024-11-26. Review status: criteria provided, single submitter. Criteria: ACMG Guidelines, 2015. Collection method: clinical testing. Allele origin: germline.

Illumina Laboratory Services, Illumina
Classification: Uncertain significance for Autosomal recessive nonsyndromic hearing loss 2. Last evaluated: 2018-01-13. Review status: criteria provided, single submitter. Criteria: ICSL Variant Classification Criteria 13 December 2019. Collection method: clinical testing. Allele origin: germline.

Illumina Laboratory Services, Illumina
Classification: Likely benign for Autosomal dominant nonsyndromic hearing loss 11. Last evaluated: 2018-01-13. Review status: criteria provided, single submitter. Criteria: ICSL Variant Classification Criteria 13 December 2019. Collection method: clinical testing. Allele origin: germline.
Comment: This variant was observed in the ICSL laboratory as part of a predisposition screen in an ostensibly healthy population. It had not been previously curated by ICSL or reported in the Human Gene Mutation Database (HGMD: prior to June 1st, 2018), and was therefore a candidate for classification through an automated scoring system. Utilizing variant allele frequency, disease prevalence and penetrance estimates, and inheritance mode, an automated score was calculated to assess if this variant is too frequent to cause the disease. Based on the score and internal cut-off values, a variant classified as likely benign is not then subjected to further curation. The score for this variant resulted in a classification of likely benign for this disease.

Illumina Laboratory Services, Illumina
Classification: Uncertain significance for Usher syndrome type 1. Last evaluated: 2018-01-13. Review status: criteria provided, single submitter. Criteria: ICSL Variant Classification Criteria 13 December 2019. Collection method: clinical testing. Allele origin: germline.

Laboratory for Molecular Medicine, Mass General Brigham Personalized Medicine
Classification: Likely benign. Last evaluated: 2014-03-15. Review status: criteria provided, single submitter. Criteria: LMM Criteria. Collection method: clinical testing. Allele origin: germline. Observed: 1 variant allele.
Comment: Pro1724Pro in Exon 38 of MYO7A: This variant is not expected to have clinical si gnificance because it does not alter an amino acid residue and is not located wi thin the splice consensus sequence.

PreventionGenetics, part of Exact Sciences
Classification: Likely benign for MYO7A-related condition. Last evaluated: 2024-08-15. Review status: no assertion criteria provided. Collection method: clinical testing. Allele origin: germline. Not counted in ClinVar's aggregate classification.
Comment: This variant is classified as likely benign based on ACMG/AMP sequence variant interpretation guidelines (Richards et al. 2015 PMID: 25741868, with internal and published modifications).

Natera, Inc.
Classification: Uncertain significance for Usher syndrome type 1B. Last evaluated: 2020-01-24. Review status: no assertion criteria provided. Collection method: clinical testing. Allele origin: germline. Not counted in ClinVar's aggregate classification.

NM_000260.4(MYO7A):c.5172C>G (p.Pro1724=)

Gene: MYO7A (myosin VIIA; plus strand). Cytogenetic location: 11q13.5.
Variant type: single nucleotide variant.
Coding change: c.5172C>G on transcript NM_000260.4 (MANE Select); coding-DNA position 5172, C replaced by G.
Protein change: p.Pro1724=; no amino-acid change (proline 1724 retained).
Molecular consequence: synonymous variant.
Genome position (GRCh38, 1-based): chr11:77,203,063, C>G. VCF-style: chr11-77203063-C-G. GRCh37 (hg19) VCF-style: chr11-76914108-C-G.
Other names: c.5058C>G, p.Pro1686= (NM_001127180.2); c.5025C>G, p.Pro1675= (NM_001369365.1).
Identifiers: ClinVar variation 179630 (VCV000179630.21), dbSNP rs727505004, ClinGen allele CA184811.